The following is an entry in ClinVar:

ClinVar aggregate classification (germline): Uncertain significance (1 of 4 stars; one submission).

Conditions:
Muscle AMP deaminase deficiency (MMDD). Also called: Myoadenylate deaminase deficiency, myopathy due to; Adenosine monophosphate deaminase 1 deficiency; AMP deaminase 1 deficiency; Adenosine Monophosphate Deaminase 1; AMPD1 DEFICIENCY; ADENOSINE MONOPHOSPHATE DEAMINASE-1 DEFICIENCY, MYOPATHY DUE TO. Identifiers: Orphanet 45, MedGen C3714933, MONDO:0014220, OMIM 615511.

Submission:

Labcorp Genetics (formerly Invitae), Labcorp
Classification: Uncertain significance for Muscle AMP deaminase deficiency. Last evaluated: 2025-03-10. Review status: criteria provided, single submitter. Criteria: Invitae Variant Classification Sherloc (09022015). Collection method: clinical testing. Allele origin: germline.
Comment: This sequence change replaces asparagine, which is neutral and polar, with isoleucine, which is neutral and non-polar, at codon 665 of the AMPD1 protein (p.Asn665Ile). This variant is present in population databases (rs759306857, gnomAD 0.01%). This variant has not been reported in the literature in individuals affected with AMPD1-related conditions. Invitae Evidence Modeling of protein sequence and biophysical properties (such as structural, functional, and spatial information, amino acid conservation, physicochemical variation, residue mobility, and thermodynamic stability) indicates that this missense variant is expected to disrupt AMPD1 protein function with a positive predictive value of 80%. In summary, the available evidence is currently insufficient to determine the role of this variant in disease. Therefore, it has been classified as a Variant of Uncertain Significance.

NM_000036.3(AMPD1):c.1895A>T (p.Asn632Ile)

Gene: AMPD1 (adenosine monophosphate deaminase 1; minus strand). Cytogenetic location: 1p13.2.
Variant type: single nucleotide variant.
Coding change: c.1895A>T on transcript NM_000036.3 (MANE Select); coding-DNA position 1895, A replaced by T.
Protein change: p.Asn632Ile; replaces asparagine 632 with isoleucine.
Molecular consequence: missense variant.
Genome position (GRCh38, 1-based): chr1:114,673,988, T>A on the plus strand (A>T on the coding strand, the complement: AMPD1 is on the minus strand). VCF-style: chr1-114673988-T-A. GRCh37 (hg19) VCF-style: chr1-115216609-T-A.
Other names: c.1883A>T, p.Asn628Ile (NM_001172626.2); short protein forms N632I, N628I.
Identifiers: ClinVar variation 3657452 (VCV003657452.2).